The following continues an entry in ClinVar:

NM_002834.5(PTPN11):c.236A>G (p.Gln79Arg)

Gene: PTPN11. ClinVar aggregate classification (germline): Pathogenic. Pathogenic (28).

Submissions 24 to 35 of 35:

Laboratory for Molecular Medicine, Mass General Brigham Personalized Medicine
Classification: Pathogenic for Noonan syndrome. Last evaluated: 2015-07-16. Review status: criteria provided, single submitter. Criteria: LMM Criteria. Collection method: clinical testing. Allele origin: germline. Inheritance: Autosomal dominant inheritance. Observed: 18 variant alleles.
Comment: The p.Gln79Arg variant in PTPN11 has been reported in >30 individuals with clini cal features of Noonan syndrome and segregated with disease in >10 affected rela tives (Tartaglia 2001, Tartaglia 2002, Schollen 2003, Musante 2003, Yoshida 2004 , Zenker 2004, Chan 2006, Bertola 2006, LMM unpublished data). This variant has also occurred de novo in multiple affected individuals (LMM unpublished data). I t has not been identified in large population studies. In-vivo animal models and in-vitro studies provide evidence that the p.Gln79Arg variant impacts protein f unction (Krenz 2005, Nakamura 2007). In summary, this variant meets our criteria to be classified as pathogenic for Noonan syndrome in an autosomal dominant man ner based upon segregation studies, de novo occurrences in affected individuals, extremely low frequency in the general population, and functional evidence.

Clinical Genetics Service, Universitary Hospital 12 de Octubre
Classification: Pathogenic for Noonan syndrome 1. Review status: criteria provided, single submitter. Criteria: ACMG Guidelines, 2015. Collection method: clinical testing. Allele origin: germline. Affected: yes.

Institute for Genomic Statistics and Bioinformatics, University Hospital Bonn
Classification: Pathogenic for Noonan syndrome 1. Review status: criteria provided, single submitter. Criteria: ACMG Guidelines, 2015. Collection method: clinical testing. Allele origin: unknown. Affected: yes. Observed: 1 variant allele.

Juno Genomics, Hangzhou Juno Genomics, Inc
Classification: Pathogenic for LEOPARD syndrome 1; Juvenile myelomonocytic leukemia; Metachondromatosis; Noonan syndrome 1. Review status: criteria provided, single submitter. Criteria: ACMG Guidelines, 2015. Collection method: clinical testing. Allele origin: germline. Affected: yes.
Comment: Absent from controls (or at extremely low frequency if recessive) in Genome Aggregation Database.;De novo (both maternity and paternity confirmed) in a patient with the disease and no family history.;The prevalence of the variant in affected individuals is significantly increased compared to the prevalence in controls.;Co-segregation with disease in multiple affected family members.;Well-established in vitro or in vivo functional studies supportive of a damaging effect on the gene or gene product.

Rady Children's Institute for Genomic Medicine, Rady Children's Hospital San Diego
Classification: Pathogenic for PTPN11-Related Disorders. Review status: criteria provided, single submitter. Criteria: ACMG Guidelines, 2015. Collection method: clinical testing. Allele origin: germline. Affected: yes.
Comment: This variant has been previously reported as a heterozygous change in patients with Noonan syndrome (PMID: 11704759, 11992261, 12529711, 12634870, 17020470, 22848035). This variant is located in a mutational hotspot for pathogenic variants associated with Noonan syndrome. Pathogenic missense variants at the same amino acid residue (p.Gln79Pro) and nearby amnio acid residues (p.Glu76Asp, p.Glu76Gln, p.Glu76Gly, p.Glu76Val) have been reported in association with Noonan syndrome (PMID: 12960218, 24803665, 3279447, 20308328). Functional studies showed that the c.236A>G (p.Gln79Arg) variant is a gain-of-function variant that induces an increase of phosphatase activity and endocardial cushion growth (PMID: 16166557, 15834506). Animal studies in mice showed altered cardiomyocyte cell cycling, ventricular noncompaction, and ventricular septal defects when the c.236A>G (p.Gln79Arg) variant is present (PMID: 17641779). The c.236A>G (p.Gln79Arg) variant is absent from the gnomAD population database and thus is presumed to be rare. In silico tools used to predict the effect of this variant on protein function yield discordant results. Analysis of the parental samples was negative for the variant, indicating this variant likely occurred as a de novo event. Based on the available evidence, the c.236A>G (p.Gln79Arg) variant is classified as Pathogenic.

Zotz-Klimas Genetics Lab, MVZ Zotz Klimas
Classification: Pathogenic for Noonan syndrome 1. Last evaluated: 2023-10-09. Review status: no assertion criteria provided. Collection method: clinical testing. Allele origin: germline. Affected: yes. Not counted in ClinVar's aggregate classification.

Beijing Key Laboratory for Genetic Research of Skeletal Deformity, Peking Union Medical College Hospital
Classification: Pathogenic for Noonan syndrome 1. Last evaluated: 2019-05-31. Review status: no assertion criteria provided. Collection method: research. Allele origin: de novo. Affected: yes. Not counted in ClinVar's aggregate classification.

Clinical Molecular Genetics Laboratory, Johns Hopkins All Children's Hospital
Classification: Pathogenic for Noonan syndrome. Last evaluated: 2016-07-06. Review status: no assertion criteria provided. Collection method: clinical testing. Allele origin: germline. Affected: yes. Not counted in ClinVar's aggregate classification.

Greenwood Genetic Center Diagnostic Laboratories, Greenwood Genetic Center
Classification: Pathogenic. Last evaluated: 2015-01-15. Review status: no assertion criteria provided. Collection method: clinical testing. Allele origin: germline. Not counted in ClinVar's aggregate classification.

ARUP Laboratories, Molecular Genetics and Genomics, ARUP Laboratories
Classification: Pathogenic for Noonan syndrome. Last evaluated: 2014-05-02. Review status: no assertion criteria provided. Collection method: clinical testing. Allele origin: germline. Affected: yes. Observed: 1 variant allele. Not counted in ClinVar's aggregate classification.

OMIM
Classification: Pathogenic for NOONAN SYNDROME. Last evaluated: 2003-01-01. Review status: no assertion criteria provided. Collection method: literature only. Allele origin: germline. Not counted in ClinVar's aggregate classification.

Department of Pediatrics, Graduate School of Medical Sciences, Kyushu University
Classification: Uncertain significance for Congenital portosystemic shunt. Last evaluated: 2026-02-27. Review status: flagged submission. Criteria: ACMG Guidelines, 2015. Collection method: research. Allele origin: de novo. Affected: yes. Not counted in ClinVar's aggregate classification.
Comment: The variant is rare in population databases and in silico prediction tools, including CADD, suggest a potential deleterious effect on protein function. However, the association between this gene and CPSS has not been established. Therefore, the clinical significance of this variant is currently classified as a variant of uncertain significance (VUS).
ClinVar note: Reason: Unnecessary conflicting claim for distinct condition when other classifications are more relevant

Literature cited by the submitters: PubMed 11704759 (cited by 6 submitters); PubMed 11992261 (cited by 4 submitters); PubMed 12529711 (cited by 6 submitters); PubMed 12634870 (cited by 4 submitters); PubMed 17020470 (cited by 5 submitters); PubMed 22848035 (cited by 4 submitters); PubMed 16166557 (cited by 6 submitters); PubMed 17641779 (cited by 5 submitters); PubMed 19017799 (cited by 3 submitters); PubMed 12960218 (cited by Victorian Clinical Genetics Services, Murdoch Childrens Research Institute and 3billion); PubMed 32164556 (cited by 3 submitters); PubMed 16358218 (cited by Victorian Clinical Genetics Services, Murdoch Childrens Research Institute); PubMed 15834506 (cited by 3 submitters); PubMed 19020799 (cited by Dasa); PubMed 26817465 (cited by 3 submitters); PubMed 29493581 (cited by Dasa); PubMed 34008892 (cited by Laboratory of Medical Genetics, National & Kapodistrian University of Athens); PubMed 15001945 (cited by Laboratory for Molecular Medicine, Mass General Brigham Personalized Medicine); PubMed 15240615 (cited by Laboratory for Molecular Medicine, Mass General Brigham Personalized Medicine); PubMed 19706403 (cited by Laboratory for Molecular Medicine, Mass General Brigham Personalized Medicine).